The following is an entry in ClinVar:

ClinVar aggregate classification (germline): Uncertain significance. Review status: criteria provided, multiple submitters, no conflicts (2 of 4 stars). 2 submissions from 2 submitters: Uncertain significance (2). Last evaluated 2024-06-10.

Conditions:
Hereditary cancer-predisposing syndrome. Also called: Hereditary Cancer Syndrome; Hereditary neoplastic syndrome; Neoplastic Syndromes, Hereditary; Tumor predisposition. Identifiers: Orphanet 140162, MedGen C0027672, MeSH D009386, MONDO:0015356.
Rhabdoid tumor predisposition syndrome 2 (RTPS2). Identifiers: Orphanet 231108, Orphanet 69077, MedGen C2750074, MONDO:0013224, OMIM 613325.

Allele frequency attached by ClinVar (database versions not stated): TOPMed 0.00001.

Submissions (2):

Labcorp Genetics (formerly Invitae), Labcorp
Classification: Uncertain significance for Rhabdoid tumor predisposition syndrome 2. Last evaluated: 2024-06-10. Review status: criteria provided, single submitter. Criteria: Invitae Variant Classification Sherloc (09022015). Collection method: clinical testing. Allele origin: germline.
Comment: This sequence change replaces aspartic acid, which is acidic and polar, with glutamic acid, which is acidic and polar, at codon 632 of the SMARCA4 protein (p.Asp632Glu). This variant is not present in population databases (gnomAD no frequency). This variant has not been reported in the literature in individuals affected with SMARCA4-related conditions. ClinVar contains an entry for this variant (Variation ID: 408594). Advanced modeling of protein sequence and biophysical properties (such as structural, functional, and spatial information, amino acid conservation, physicochemical variation, residue mobility, and thermodynamic stability) performed at Invitae indicates that this missense variant is not expected to disrupt SMARCA4 protein function with a negative predictive value of 95%. In summary, the available evidence is currently insufficient to determine the role of this variant in disease. Therefore, it has been classified as a Variant of Uncertain Significance.

Ambry Genetics
Classification: Uncertain significance for Hereditary cancer-predisposing syndrome. Last evaluated: 2022-03-31. Review status: criteria provided, single submitter. Criteria: Ambry Variant Classification Scheme 2023. Collection method: clinical testing. Allele origin: germline.
Comment: The p.D632E variant (also known as c.1896T>G), located in coding exon 11 of the SMARCA4 gene, results from a T to G substitution at nucleotide position 1896. The aspartic acid at codon 632 is replaced by glutamic acid, an amino acid with highly similar properties. This amino acid position is not well conserved in available vertebrate species. In addition, this alteration is predicted to be tolerated by in silico analysis. Missense and in-frame variants in SMARCA4 are known to cause neurodevelopmental disorders; however, such associations with rhabdoid tumor predisposition syndrome including small cell carcinoma of the ovary-hypercalcemic type (SCCOHT) are exceedingly rare (Kosho T et al. Am J Med Genet C Semin Med Genet. 2014 Sep;166C(3):262-75; Jelinic P et al. Nat Genet. 2014 May;46(5):424-6). Based on the supporting evidence, the association of this alteration with Coffin-Siris syndrome is unknown; however, the association of this alteration with rhabdoid tumor predisposition syndrome is unlikely.

NM_003072.5(SMARCA4):c.1896T>G (p.Asp632Glu)

Gene: SMARCA4 (SWI/SNF related BAF chromatin remodeling complex subunit ATPase 4; plus strand). Cytogenetic location: 19p13.2.
Variant type: single nucleotide variant.
Coding change: c.1896T>G on transcript NM_003072.5 (MANE Select); coding-DNA position 1896, T replaced by G.
Protein change: p.Asp632Glu; replaces aspartic acid 632 with glutamic acid.
Molecular consequence: missense variant. On other transcripts: non-coding transcript variant (1).
Genome position (GRCh38, 1-based): chr19:11,003,112, T>G. VCF-style: chr19-11003112-T-G. GRCh37 (hg19) VCF-style: chr19-11113788-T-G.
Other names: c.1896T>G, p.Asp632Glu (NM_001128844.3, NM_001128845.2, NM_001128846.2 and 5 more transcripts); short protein forms D632E.
Identifiers: ClinVar variation 408594 (VCV000408594.11), dbSNP rs1060502055, ClinGen allele CA16615947.